The following is an entry in ClinVar:

ClinVar aggregate classification (germline): Conflicting classifications of pathogenicity. Review status: criteria provided, conflicting classifications (1 of 4 stars). 3 submissions from 3 submitters: Uncertain significance (1); Likely benign (2). Last evaluated 2025-04-09.

Conditions:
Hereditary cancer-predisposing syndrome. Also called: Neoplastic Syndromes, Hereditary; Tumor predisposition; Hereditary Cancer Syndrome; Hereditary neoplastic syndrome. Identifiers: Orphanet 140162, MedGen C0027672, MeSH D009386, MONDO:0015356.
Hereditary breast ovarian cancer syndrome. Also called: Hereditary breast and ovarian cancer syndrome; Hereditary breast and ovarian cancer; Hereditary breast and ovarian cancer syndrome (HBOC); Breast and ovarian cancer; Hereditary breast and/or ovarian cancer syndrome; BRCA1- and BRCA2-Associated Hereditary Breast and Ovarian Cancer. Identifiers: Orphanet 145, MedGen C0677776, MeSH D061325, MONDO:0003582. Disease mechanism: loss of function.

Submissions (3):

Labcorp Genetics (formerly Invitae), Labcorp
Classification: Likely benign for Hereditary breast ovarian cancer syndrome. Last evaluated: 2025-04-09. Review status: criteria provided, single submitter. Criteria: Invitae Variant Classification Sherloc (09022015). Collection method: clinical testing. Allele origin: germline.

Quest Diagnostics Nichols Institute San Juan Capistrano
Classification: Uncertain significance. Last evaluated: 2023-09-21. Review status: criteria provided, single submitter. Criteria: Quest Diagnostics criteria. Collection method: clinical testing. Allele origin: unknown.
Comment: To the best of our knowledge, this variant has not been reported in individuals with BRCA1-related conditions in the published literature. It also has not been reported in large, multi-ethnic general populations (Genome Aggregation Database). Analysis of this variant using software algorithms for the prediction of the effect of nucleotide changes on splicing yielded predictions that this variant does not affect BRCA1 mRNA splicing . Based on the available information, we are unable to determine the clinical significance of this variant.

Ambry Genetics
Classification: Likely benign for Hereditary cancer-predisposing syndrome. Last evaluated: 2016-07-18. Review status: criteria provided, single submitter. Criteria: Ambry Variant Classification Scheme 2023. Collection method: clinical testing. Allele origin: germline.

NM_007294.4(BRCA1):c.3339T>C (p.Tyr1113=)

Genes: BRCA1 (BRCA1 DNA repair associated; minus strand), LOC126862571 (BRD4-independent group 4 enhancer GRCh37_chr17:41243136-41244335; plus strand). Cytogenetic location: 17q21.31.
Variant type: single nucleotide variant.
Coding change: c.3339T>C on transcript NM_007294.4 (MANE Select); coding-DNA position 3339, T replaced by C.
Protein change: p.Tyr1113=; no amino-acid change (tyrosine 1113 retained).
Molecular consequence: synonymous variant. On other transcripts: intron variant (137).
Genome position (GRCh38, 1-based): chr17:43,092,192, A>G on the plus strand (T>C on the coding strand, the complement: BRCA1 is on the minus strand). VCF-style: chr17-43092192-A-G. GRCh37 (hg19) VCF-style: chr17-41244209-A-G.
Other names: c.3336T>C, p.Tyr1112= (NM_001407633.1, NM_001407634.1, NM_001407635.1 and 22 more transcripts); c.3339T>C, p.Tyr1113= (NM_001407639.1, NM_001407640.1, NM_001407641.1 and 30 more transcripts); c.3330T>C, p.Tyr1110= (NM_001407646.1, NM_001407647.1); c.3216T>C, p.Tyr1072= (NM_001407648.1, NM_001407664.1, NM_001407665.1 and 19 more transcripts); c.3213T>C, p.Tyr1071= (NM_001407649.1, NM_001407670.1, NM_001407671.1 and 11 more transcripts); c.3261T>C, p.Tyr1087= (NM_001407653.1, NM_001407654.1, NM_001407655.1 and 4 more transcripts); c.3258T>C, p.Tyr1086= (NM_001407659.1, NM_001407660.1, NM_001407661.1 and 1 more transcripts); c.3198T>C, p.Tyr1066= (NM_001407692.1, NM_001407694.1, NM_001407695.1 and 29 more transcripts); and 41 more.
Identifiers: ClinVar variation 485384 (VCV000485384.12), dbSNP rs80357421, ClinGen allele CA500232628.
Genomic context (GRCh38, chr17:43,092,192, plus strand): 5'-TAAGTTATCTGAAATCAGATATGGAGAGAAATCTGTATTAACAGTCTGAACTACTTCTTC[A>G]TATTCTTGCTTTTTTATTTCAGGATGCTTACAATTACTTCCAGGAAGACTTTGTTTATAG-3'
Protein context (NP_009225.1, residues 1103-1123): CKHPEIKKQE[Tyr1113=]EEVVQTVNTD